The following is an entry in ClinVar:

NM_018896.5(CACNA1G):c.3257C>T (p.Pro1086Leu)

Gene: CACNA1G (calcium voltage-gated channel subunit alpha1 G; plus strand). Cytogenetic location: 17q21.33.
Variant type: single nucleotide variant.
Coding change: c.3257C>T on transcript NM_018896.5 (MANE Select); coding-DNA position 3257, C replaced by T.
Protein change: p.Pro1086Leu; replaces proline 1086 with leucine.
Molecular consequence: missense variant. On other transcripts: non-coding transcript variant (5).
Genome position (GRCh38, 1-based): chr17:50,596,922, C>T. VCF-style: chr17-50596922-C-T. GRCh37 (hg19) VCF-style: chr17-48674283-C-T.
Other names: c.3257C>T, p.Pro1086Leu (NM_001256333.2, NM_001256334.2, NM_001256359.2 and 16 more transcripts); c.3188C>T, p.Pro1063Leu (NM_198376.3, NM_198379.3, NM_001256332.2 and 5 more transcripts); short protein forms P1063L, P1086L.
Identifiers: ClinVar variation 3608175 (VCV003608175.2).

ClinVar aggregate classification (germline): Uncertain significance (1 of 4 stars; one submission).

gnomAD v4.1: 25 of 1,550,886 alleles (0.0016%); highest among the groups gnomAD compares: Admixed American, 0.0038%; no homozygotes.

Submission:

Labcorp Genetics (formerly Invitae), Labcorp
Classification: Uncertain significance. Last evaluated: 2025-07-01. Review status: criteria provided, single submitter. Criteria: Invitae Variant Classification Sherloc (09022015). Collection method: clinical testing. Allele origin: germline.
Comment: This sequence change replaces proline, which is neutral and non-polar, with leucine, which is neutral and non-polar, at codon 1086 of the CACNA1G protein (p.Pro1086Leu). The frequency data for this variant in the population databases is considered unreliable, as metrics indicate poor data quality at this position in the gnomAD database. This variant has not been reported in the literature in individuals affected with CACNA1G-related conditions. ClinVar contains an entry for this variant (Variation ID: 3608175). An algorithm developed to predict the effect of missense changes on protein structure and function (PolyPhen-2) suggests that this variant is likely to be tolerated. In summary, the available evidence is currently insufficient to determine the role of this variant in disease. Therefore, it has been classified as a Variant of Uncertain Significance.